The following is an entry in ClinVar:

ClinVar aggregate classification (germline): Likely pathogenic (1 of 4 stars; one submission).

Conditions:
Duchenne muscular dystrophy (DMD). Also called: Duchenne Muscular Dystrophy (DMD); MUSCULAR DYSTROPHY, PSEUDOHYPERTROPHIC PROGRESSIVE, DUCHENNE TYPE. Identifiers: Orphanet 98896, MedGen C0013264, MONDO:0010679, OMIM 310200.

Submission:

3billion
Classification: Likely pathogenic for Duchenne muscular dystrophy. Last evaluated: 2025-11-30. Review status: criteria provided, single submitter. Criteria: ACMG Guidelines, 2015. Collection method: clinical testing. Allele origin: germline. Affected: yes.
Comment: The variant is not observed in the gnomAD v4.1.0 dataset. Predicted Consequence/Location: Frameshift: predicted to result in a loss or disruption of normal protein function through nonsense-mediated decay (NMD) or protein truncation. Multiple pathogenic variants are reported downstream of the variant. Therefore, this variant is classified as Likely pathogenic according to the recommendation of ACMG/AMP guideline.

NM_004006.3(DMD):c.7369_7370dup (p.Lys2458fs)

Gene: DMD (dystrophin; minus strand). Cytogenetic location: Xp21.1.
Variant type: Microsatellite.
Coding change: c.7369_7370dup on transcript NM_004006.3 (MANE Select); coding-DNA positions 7369 to 7370, 2 bases duplicated (TC; older notation c.7369_7370dupTC).
Protein change: p.Lys2458fs; shifts the reading frame from lysine 2458.
Molecular consequence: frameshift variant. On other transcripts: 5 prime UTR variant (5).
Genome position (GRCh38, 1-based): chrX:31,774,132-31,774,133, GA duplicated on the plus strand (TC on the coding strand, the reverse complement: DMD is on the minus strand); duplicating any 2 consecutive bases within chrX:31,774,132-31,774,135 gives the same sequence; the c. name uses the placement nearest the transcript's 3' end. VCF-style (leftmost placement, unchanged base first): chrX-31774131-G-GGA. GRCh37 (hg19) VCF-style: chrX-31792248-G-GGA.
Other names: c.7345_7346dup, p.Lys2450fs (NM_000109.4); c.7357_7358dup, p.Lys2454fs (NM_004009.3); c.7000_7001dup, p.Lys2335fs (NM_004010.3); c.3346_3347dup, p.Lys1117fs (NM_004011.4); c.3337_3338dup, p.Lys1114fs (NM_004012.4); c.-14TC[3] (NM_004013.3, NM_004020.4, NM_004021.3 and 2 more transcripts); short protein forms K1114fs, K1117fs, K2335fs, K2450fs, K2454fs, K2458fs.
Identifiers: ClinVar variation 4856046 (VCV004856046.1).
Genomic context (GRCh38, chrX:31,774,131, plus strand): 5'-CCGGTTGAAATCTGCCAGAGCAGGTACCTCCAACATCAAGGAAGATGGCATTTCTAGTTT[G>GGA]GAGATGGCAGTTTCCTTAGTAACCACAGGTTGTGTCACCAGAGTAACAGTCTGAGTAGGA-3'